The following is an entry in ClinVar:

ClinVar aggregate classification (germline): Uncertain significance (1 of 4 stars; one submission).

Conditions:
Dilated cardiomyopathy 1O (CMD1O). Also called: CARDIOMYOPATHY, DILATED, WITH VENTRICULAR TACHYCARDIA. Identifiers: Orphanet 154, MedGen C1837839, MONDO:0012062, OMIM 608569.

gnomAD v4.1: 1 of 1,599,760 alleles (0.000063%); highest among the groups gnomAD compares: South Asian, 0.0011%; no homozygotes.

Submission:

Labcorp Genetics (formerly Invitae), Labcorp
Classification: Uncertain significance for Dilated cardiomyopathy 1O. Last evaluated: 2025-04-09. Review status: criteria provided, single submitter. Criteria: Invitae Variant Classification Sherloc (09022015). Collection method: clinical testing. Allele origin: germline.
Comment: This sequence change falls in intron 14 of the ABCC9 gene. It does not directly change the encoded amino acid sequence of the ABCC9 protein. It affects a nucleotide within the consensus splice site. This variant is present in population databases (rs759264588, gnomAD 0.003%). This variant has not been reported in the literature in individuals affected with ABCC9-related conditions. Variants that disrupt the consensus splice site are a relatively common cause of aberrant splicing (PMID: 17576681, 9536098). Algorithms developed to predict the effect of sequence changes on RNA splicing suggest that this variant is not likely to affect RNA splicing. In summary, the available evidence is currently insufficient to determine the role of this variant in disease. Therefore, it has been classified as a Variant of Uncertain Significance.

Literature cited by the submitters: PubMed 17576681; PubMed 9536098.

NM_020297.4(ABCC9):c.2019+5T>C

Gene: ABCC9 (ATP binding cassette subfamily C member 9; minus strand). Cytogenetic location: 12p12.1.
Variant type: single nucleotide variant.
Coding change: c.2019+5T>C on transcript NM_020297.4 (MANE Select); 5 bases into the intron after coding-DNA position 2019, T replaced by C.
Molecular consequence: intron variant.
Genome position (GRCh38, 1-based): chr12:21,882,761, A>G on the plus strand (T>C on the coding strand, the complement: ABCC9 is on the minus strand). VCF-style: chr12-21882761-A-G. GRCh37 (hg19) VCF-style: chr12-22035695-A-G.
Other names: c.1155+5T>C (NM_001377274.1); c.2019+5T>C (NM_005691.4, NM_001377273.1).
Identifiers: ClinVar variation 4805376 (VCV004805376.1).